The following is an entry in ClinVar:

ClinVar aggregate classification (germline): Uncertain significance (1 of 4 stars; one submission).

gnomAD v4.1: 3 of 1,612,932 alleles (0.00019%); highest among the groups gnomAD compares: African/African-American, 0.0027%; no homozygotes.

Submission:

Ambry Genetics
Classification: Uncertain significance. Last evaluated: 2025-03-06. Review status: criteria provided, single submitter. Criteria: Ambry Variant Classification Scheme 2023. Collection method: clinical testing. Allele origin: germline.
Comment: The p.Q319* variant (also known as c.955C>T), located in coding exon 7 of the ATRIP gene, results from a C to T substitution at nucleotide position 955. This changes the amino acid from a glutamine to a stop codon within coding exon 7. This alteration is expected to result in loss of function by premature protein truncation or nonsense-mediated mRNA decay. The evidence for this gene-disease relationship is limited; therefore, the clinical significance of this alteration is unclear.

NM_130384.3(ATRIP):c.955C>T (p.Gln319Ter)

Genes: ATRIP (ATR interacting protein; plus strand), ATRIP-TREX1 (ATRIP-TREX1 readthrough; plus strand). Cytogenetic location: 3p21.31.
Variant type: single nucleotide variant.
Coding change: c.955C>T on transcript NM_130384.3 (MANE Select); coding-DNA position 955, C replaced by T.
Protein change: p.Gln319Ter; replaces glutamine 319 with a stop codon.
Molecular consequence: nonsense. On other transcripts: non-coding transcript variant (1).
Genome position (GRCh38, 1-based): chr3:48,459,816, C>T. VCF-style: chr3-48459816-C-T. GRCh37 (hg19) VCF-style: chr3-48501215-C-T.
Other names: c.574C>T, p.Gln192Ter (NM_001271022.2); c.676C>T, p.Gln226Ter (NM_001271023.2); c.955C>T, p.Gln319Ter (NM_032166.4); short protein forms Q319*, Q226*, Q192*.
Identifiers: ClinVar variation 3810964 (VCV003810964.1).